The following is an entry in ClinVar:

NM_004369.4(COL6A3):c.8464+242C>T

Gene: COL6A3 (collagen type VI alpha 3 chain; minus strand). Cytogenetic location: 2q37.3.
Variant type: single nucleotide variant.
Coding change: c.8464+242C>T on transcript NM_004369.4 (MANE Select); 242 bases into the intron after coding-DNA position 8464, C replaced by T.
Molecular consequence: intron variant.
Genome position (GRCh38, 1-based): chr2:237,340,210, G>A on the plus strand (C>T on the coding strand, the complement: COL6A3 is on the minus strand). VCF-style: chr2-237340210-G-A. GRCh37 (hg19) VCF-style: chr2-238248853-G-A.
Other names: c.6643+242C>T (NM_057166.5); c.7846+242C>T (NM_057167.4).
Identifiers: ClinVar variation 679536 (VCV000679536.1), dbSNP rs57074977, ClinGen allele CA67835174.

ClinVar aggregate classification (germline): Benign (1 of 4 stars; one submission).

Allele frequency attached by ClinVar (database versions not stated): TOPMed 0.01809; 1000 Genomes Project 0.01997; 1000 Genomes Project 30x 0.02249.
gnomAD v4.1: 2,570 of 152,292 alleles (1.7%); highest among the groups gnomAD compares: African/African-American, 5.7%; 83 homozygotes.

Submission:

GeneDx
Classification: Benign. Last evaluated: 2018-06-16. Review status: criteria provided, single submitter. Criteria: GeneDx Variant Classification (06012015). Collection method: clinical testing. Allele origin: germline. Affected: yes.
Comment: This variant is considered likely benign or benign based on one or more of the following criteria: it is a conservative change, it occurs at a poorly conserved position in the protein, it is predicted to be benign by multiple in silico algorithms, and/or has population frequency not consistent with disease.